The following is an entry in ClinVar:

NM_000610.4(CD44):c.255C>T (p.His85=)

Gene: CD44 (CD44 molecule (IN blood group); plus strand). Cytogenetic location: 11p13.
Variant type: single nucleotide variant.
Coding change: c.255C>T on transcript NM_000610.4 (MANE Select); coding-DNA position 255, C replaced by T.
Protein change: p.His85=; no amino-acid change (histidine 85 retained).
Molecular consequence: synonymous variant. On other transcripts: intron variant (1).
Genome position (GRCh38, 1-based): chr11:35,180,295, C>T. VCF-style: chr11-35180295-C-T. GRCh37 (hg19) VCF-style: chr11-35201842-C-T.
Other names: c.255C>T, p.His85= (NM_001001389.2, NM_001001390.2, NM_001001391.2 and 3 more transcripts); c.233+3555C>T (NM_001001392.2).
Identifiers: ClinVar variation 3059200 (VCV003059200.3), dbSNP rs1071695, ClinGen allele CA5946332.

ClinVar aggregate classification (germline): Likely benign. Review status: criteria provided, single submitter (1 of 4 stars). 2 submissions from 2 submitters: Likely benign (1). 1 of the submissions does not count toward it. Last evaluated 2025-05-30.

Conditions:
CD44-related disorder. Also called: CD44-related condition.

Allele frequency attached by ClinVar (database versions not stated): 1000 Genomes Project 30x 0.14054; ExAC 0.16096; ESP Exome Variant Server 0.16838; TOPMed 0.17200; 1000 Genomes Project 0.13938.
gnomAD v4.1: 260,782 of 1,613,426 alleles (16%); highest among the groups gnomAD compares: Middle Eastern, 28%; 22,209 homozygotes.

Submissions (2):

Ambry Genetics
Classification: Likely benign. Last evaluated: 2025-05-30. Review status: criteria provided, single submitter. Criteria: Ambry Variant Classification Scheme 2023. Collection method: clinical testing. Allele origin: germline.

PreventionGenetics, part of Exact Sciences
Classification: Benign for CD44-related condition. Last evaluated: 2019-10-21. Review status: no assertion criteria provided. Collection method: clinical testing. Allele origin: germline. Not counted in ClinVar's aggregate classification.
Comment: This variant is classified as benign based on ACMG/AMP sequence variant interpretation guidelines (Richards et al. 2015 PMID: 25741868, with internal and published modifications).